The following is an entry in ClinVar:

ClinVar aggregate classification (germline): Uncertain significance (1 of 4 stars; one submission).

Allele frequency attached by ClinVar (database versions not stated): TOPMed below 0.00001; gnomAD 0.00001; gnomAD exomes 0.00001.
gnomAD v4.1: 4 of 1,614,058 alleles (0.00025%); highest among the groups gnomAD compares: Non-Finnish European, 0.00034%; no homozygotes.

Submission:

Labcorp Genetics (formerly Invitae), Labcorp
Classification: Uncertain significance. Last evaluated: 2022-02-06. Review status: criteria provided, single submitter. Criteria: Invitae Variant Classification Sherloc (09022015). Collection method: clinical testing. Allele origin: germline.
Comment: In summary, the available evidence is currently insufficient to determine the role of this variant in disease. Therefore, it has been classified as a Variant of Uncertain Significance. Algorithms developed to predict the effect of missense changes on protein structure and function are either unavailable or do not agree on the potential impact of this missense change (SIFT: "Tolerated"; PolyPhen-2: "Probably Damaging"; Align-GVGD: "Class C0"). This variant has not been reported in the literature in individuals affected with AGBL5-related conditions. This variant is present in population databases (no rsID available, gnomAD 0.007%). This sequence change replaces valine, which is neutral and non-polar, with isoleucine, which is neutral and non-polar, at codon 763 of the AGBL5 protein (p.Val763Ile).

NM_021831.6(AGBL5):c.2287G>A (p.Val763Ile)

Gene: AGBL5 (AGBL carboxypeptidase 5; plus strand). Cytogenetic location: 2p23.3.
Variant type: single nucleotide variant.
Coding change: c.2287G>A on transcript NM_021831.6 (MANE Select); coding-DNA position 2287, G replaced by A.
Protein change: p.Val763Ile; replaces valine 763 with isoleucine.
Molecular consequence: missense variant. On other transcripts: non-coding transcript variant (2).
Genome position (GRCh38, 1-based): chr2:27,068,676, G>A. VCF-style: chr2-27068676-G-A. GRCh37 (hg19) VCF-style: chr2-27291544-G-A.
Other names: c.2287G>A, p.Val763Ile (NM_001035506.1); short protein forms V763I.
Identifiers: ClinVar variation 1925776 (VCV001925776.5), dbSNP rs1410358851, ClinGen allele CA346141655.
Genomic context (GRCh38, chr2:27,068,676, plus strand): 5'-TTCCTCTGTTCCCTAGGGAGCAGTTGCTCACTCTTGTCCTCTGGAGACAAACCAGAGGCT[G>A]TCATGGTAATCGGGAAAGGTCTGCTAGGGACTGGAGCTCGGATGCCCTGCATCAAGACTC-3'
Protein context (NP_068603.4, residues 753-773): LLSSGDKPEA[Val763Ile]MVIGKGLLGT